The following is an entry in ClinVar:

ClinVar aggregate classification (germline): Uncertain significance (1 of 4 stars; one submission).

gnomAD v4.1: 174 of 1,573,616 alleles (0.011%); highest among the groups gnomAD compares: Non-Finnish European, 0.015%; no homozygotes.

Submission:

Greenwood Genetic Center Diagnostic Laboratories, Greenwood Genetic Center
Classification: Uncertain significance. Last evaluated: 2025-04-28. Review status: criteria provided, single submitter. Criteria: ACMG Guidelines, 2015. Collection method: clinical testing. Allele origin: germline. Affected: yes.
Comment: PM2, BP4

NM_005559.4(LAMA1):c.2989+69C>T

Gene: LAMA1 (laminin subunit alpha 1; minus strand). Cytogenetic location: 18p11.31.
Variant type: single nucleotide variant.
Coding change: c.2989+69C>T on transcript NM_005559.4 (MANE Select); 69 bases into the intron after coding-DNA position 2989, C replaced by T.
Molecular consequence: intron variant.
Genome position (GRCh38, 1-based): chr18:7,016,422, G>A on the plus strand (C>T on the coding strand, the complement: LAMA1 is on the minus strand). VCF-style: chr18-7016422-G-A. GRCh37 (hg19) VCF-style: chr18-7016421-G-A.
Identifiers: ClinVar variation 4538196 (VCV004538196.1).